The following is an entry in ClinVar:

NM_000548.5(TSC2):c.2098G>T (p.Glu700Ter)

Gene: TSC2 (TSC complex subunit 2; plus strand). Cytogenetic location: 16p13.3.
Variant type: single nucleotide variant.
Coding change: c.2098G>T on transcript NM_000548.5 (MANE Select); coding-DNA position 2098, G replaced by T.
Protein change: p.Glu700Ter; replaces glutamic acid 700 with a stop codon.
Molecular consequence: nonsense.
Genome position (GRCh38, 1-based): chr16:2,072,241, G>T. VCF-style: chr16-2072241-G-T. GRCh37 (hg19) VCF-style: chr16-2122242-G-T.
Other names: c.2098G>T, p.Glu700Ter (NM_001077183.3, NM_001114382.3, NM_021055.3 and 6 more transcripts); c.1987G>T, p.Glu663Ter (NM_001318827.2, NM_001406678.1, NM_001406670.1); c.1951G>T, p.Glu651Ter (NM_001318829.2, NM_001406675.1, NM_001406676.1 and 1 more transcripts); c.1498G>T, p.Glu500Ter (NM_001318831.2, NM_001406680.1, NM_001406682.1 and 6 more transcripts); c.2086G>T, p.Glu696Ter (NM_001406671.1, NM_001406673.1); c.2041G>T, p.Glu681Ter (NM_001406677.1); c.1636G>T, p.Glu546Ter (NM_001406681.1); c.754G>T, p.Glu252Ter (NM_001406692.1, NM_001406693.1, NM_001406694.1 and 6 more transcripts); and 3 more; short protein forms E166*, E500*, E681*, E711*, E730*, E651*, E663*, E700*.
Identifiers: ClinVar variation 2029164 (VCV002029164.4), dbSNP rs45496402, ClinGen allele CA394274747.
Genomic context (GRCh38, chr16:2,072,241, plus strand): 5'-GCTTCCGCCTCTGTCTCTAGGGTCCAGAAGGCCCTGTCCTGACGCCTCCTCTCCTCGCAG[G>T]AGTCTGACTGGAAGGTGCTGAAGCTGGTTCTGGGCAGGCTGCCTGAGTCCCTGCGCTATA-3'

ClinVar aggregate classification (germline): Pathogenic (1 of 4 stars; one submission).

Conditions:
Tuberous sclerosis 2 (TSC2). Identifiers: Orphanet 805, MedGen C1860707, MONDO:0013199, OMIM 613254.

Submission:

Labcorp Genetics (formerly Invitae), Labcorp
Classification: Pathogenic for Tuberous sclerosis 2. Last evaluated: 2022-09-07. Review status: criteria provided, single submitter. Criteria: Invitae Variant Classification Sherloc (09022015). Collection method: clinical testing. Allele origin: germline.
Comment: For these reasons, this variant has been classified as Pathogenic. Algorithms developed to predict the effect of sequence changes on RNA splicing suggest that this variant may disrupt the consensus splice site. This variant has not been reported in the literature in individuals affected with TSC2-related conditions. This variant is not present in population databases (gnomAD no frequency). This sequence change creates a premature translational stop signal (p.Glu700*) in the TSC2 gene. It is expected to result in an absent or disrupted protein product. Loss-of-function variants in TSC2 are known to be pathogenic (PMID: 10205261, 17304050).

Literature cited by the submitters: PubMed 10205261; PubMed 17304050.